The following is an entry in ClinVar:

ClinVar aggregate classification (germline): Uncertain significance (1 of 4 stars; one submission).

Allele frequency attached by ClinVar (database versions not stated): gnomAD exomes below 0.00001.

Submission:

Labcorp Genetics (formerly Invitae), Labcorp
Classification: Uncertain significance. Last evaluated: 2023-04-22. Review status: criteria provided, single submitter. Criteria: Invitae Variant Classification Sherloc (09022015). Collection method: clinical testing. Allele origin: germline.
Comment: This sequence change replaces valine, which is neutral and non-polar, with alanine, which is neutral and non-polar, at codon 471 of the ZNF687 protein (p.Val471Ala). This variant is not present in population databases (gnomAD no frequency). This variant has not been reported in the literature in individuals affected with ZNF687-related conditions. An algorithm developed to predict the effect of missense changes on protein structure and function (PolyPhen-2) suggests that this variant is likely to be tolerated. In summary, the available evidence is currently insufficient to determine the role of this variant in disease. Therefore, it has been classified as a Variant of Uncertain Significance.

NM_020832.3(ZNF687):c.1412T>C (p.Val471Ala)

Gene: ZNF687 (zinc finger protein 687; plus strand). Cytogenetic location: 1q21.3.
Variant type: single nucleotide variant.
Coding change: c.1412T>C on transcript NM_020832.3 (MANE Select); coding-DNA position 1412, T replaced by C.
Protein change: p.Val471Ala; replaces valine 471 with alanine.
Molecular consequence: missense variant.
Genome position (GRCh38, 1-based): chr1:151,287,703, T>C. VCF-style: chr1-151287703-T-C. GRCh37 (hg19) VCF-style: chr1-151260179-T-C.
Other names: c.1412T>C, p.Val471Ala (NM_001304763.2, NM_001304764.2); short protein forms V471A.
Identifiers: ClinVar variation 2855165 (VCV002855165.3), dbSNP rs1571097503, ClinGen allele CA341940296.